The following is an entry in ClinVar:

ClinVar aggregate classification (germline): Likely benign (1 of 4 stars; one submission).

gnomAD v4.1: 2 of 1,611,280 alleles (0.00012%); highest among the groups gnomAD compares: African/African-American, 0.0013%; no homozygotes.

Submission:

CeGaT Center for Human Genetics Tuebingen
Classification: Likely benign. Last evaluated: 2026-01-01. Review status: criteria provided, single submitter. Criteria: CeGaT Center For Human Genetics Tuebingen Variant Classification Criteria Version 2. Collection method: clinical testing. Allele origin: germline. Affected: yes. Observed: 1 variant allele.
Comment: ZBTB7A: BP4, BP7

NM_015898.4(ZBTB7A):c.1386C>T (p.Gly462=)

Gene: ZBTB7A (zinc finger and BTB domain containing 7A; minus strand). Cytogenetic location: 19p13.3.
Variant type: single nucleotide variant.
Coding change: c.1386C>T on transcript NM_015898.4 (MANE Select); coding-DNA position 1386, C replaced by T.
Protein change: p.Gly462=; no amino-acid change (glycine 462 retained).
Molecular consequence: synonymous variant.
Genome position (GRCh38, 1-based): chr19:4,048,121, G>A on the plus strand (C>T on the coding strand, the complement: ZBTB7A is on the minus strand). VCF-style: chr19-4048121-G-A. GRCh37 (hg19) VCF-style: chr19-4048119-G-A.
Other names: c.1386C>T, p.Gly462= (NM_001317990.2).
Identifiers: ClinVar variation 4822877 (VCV004822877.4).